The following is an entry in ClinVar:

NM_024101.7(MLPH):c.281G>A (p.Arg94His)

Gene: MLPH (melanophilin; plus strand). Cytogenetic location: 2q37.3.
Variant type: single nucleotide variant.
Coding change: c.281G>A on transcript NM_024101.7 (MANE Select); coding-DNA position 281, G replaced by A.
Protein change: p.Arg94His; replaces arginine 94 with histidine.
Molecular consequence: missense variant. On other transcripts: non-coding transcript variant (1).
Genome position (GRCh38, 1-based): chr2:237,510,744, G>A. VCF-style: chr2-237510744-G-A. GRCh37 (hg19) VCF-style: chr2-238419387-G-A.
Other names: c.281G>A, p.Arg94His (NM_001042467.3, NM_001281473.2, NM_001281474.2); short protein forms R94H.
Identifiers: ClinVar variation 1511546 (VCV001511546.6), dbSNP rs986068171, ClinGen allele CA67834554.
Genomic context (GRCh38, chr2:237,510,744, plus strand): 5'-TTGTGAATAGCAAAAGGCAGTGCCTGGAATGTGGCCTCTTCACCTGCAAAAGCTGTGGCC[G>A]CGTCCACCCGGAGGAGCAGGGCTGGATCTGTGACCCCTGCCATCTGGCCAGGTGAGCCCA-3'
Protein context (NP_077006.1, residues 84-104): CGLFTCKSCG[Arg94His]VHPEEQGWIC

ClinVar aggregate classification (germline): Uncertain significance (1 of 4 stars; one submission).

Allele frequency attached by ClinVar (database versions not stated): TOPMed below 0.00001; gnomAD exomes 0.00001.
gnomAD v4.1: 13 of 1,613,670 alleles (0.00081%); highest among the groups gnomAD compares: Admixed American, 0.0033%; no homozygotes.

Submission:

Labcorp Genetics (formerly Invitae), Labcorp
Classification: Uncertain significance. Last evaluated: 2021-09-24. Review status: criteria provided, single submitter. Criteria: Invitae Variant Classification Sherloc (09022015). Collection method: clinical testing. Allele origin: germline.
Comment: This variant has not been reported in the literature in individuals affected with MLPH-related conditions. Algorithms developed to predict the effect of missense changes on protein structure and function output the following: SIFT: "Tolerated"; PolyPhen-2: "Benign"; Align-GVGD: "Class C0". The histidine amino acid residue is found in multiple mammalian species, which suggests that this missense change does not adversely affect protein function. In summary, the available evidence is currently insufficient to determine the role of this variant in disease. Therefore, it has been classified as a Variant of Uncertain Significance. This sequence change replaces arginine with histidine at codon 94 of the MLPH protein (p.Arg94His). The arginine residue is weakly conserved and there is a small physicochemical difference between arginine and histidine. This variant is not present in population databases (ExAC no frequency).